The following is an entry in ClinVar:

ClinVar aggregate classification (germline): Uncertain significance (1 of 4 stars; one submission).

Conditions:
Generalized epilepsy with febrile seizures plus, type 7 (GEFSP7). Also called: GEFS+, TYPE 7. Identifiers: Orphanet 36387, MedGen C2751778, MONDO:0013470, OMIM 613863.
Neuropathy, hereditary sensory and autonomic, type 2A (HSAN2A). Also called: HSAN IIA; ACROOSTEOLYSIS, GIACCAI TYPE; ACROOSTEOLYSIS, NEUROGENIC; NEUROPATHY, CONGENITAL SENSORY; NEUROPATHY, HEREDITARY SENSORY RADICULAR, AUTOSOMAL RECESSIVE; NEUROPATHY, HEREDITARY SENSORY, TYPE IIA. Identifiers: Orphanet 970, MedGen C2752089, MONDO:0024309, OMIM 201300.

Allele frequency attached by ClinVar (database versions not stated): gnomAD exomes below 0.00001 and 0.00001.
gnomAD v4.1: 2 of 1,614,160 alleles (0.00012%); highest among the groups gnomAD compares: South Asian, 0.0022%; no homozygotes.

Submission:

Labcorp Genetics (formerly Invitae), Labcorp
Classification: Uncertain significance for Neuropathy, hereditary sensory and autonomic, type 2A; Generalized epilepsy with febrile seizures plus, type 7. Last evaluated: 2024-10-12. Review status: criteria provided, single submitter. Criteria: Invitae Variant Classification Sherloc (09022015). Collection method: clinical testing. Allele origin: germline.
Comment: This sequence change replaces serine, which is neutral and polar, with threonine, which is neutral and polar, at codon 1753 of the SCN9A protein (p.Ser1753Thr). This variant is present in population databases (no rsID available, gnomAD 0.006%). This variant has not been reported in the literature in individuals affected with SCN9A-related conditions. ClinVar contains an entry for this variant (Variation ID: 1429974). Invitae Evidence Modeling of protein sequence and biophysical properties (such as structural, functional, and spatial information, amino acid conservation, physicochemical variation, residue mobility, and thermodynamic stability) indicates that this missense variant is not expected to disrupt SCN9A protein function with a negative predictive value of 95%. In summary, the available evidence is currently insufficient to determine the role of this variant in disease. Therefore, it has been classified as a Variant of Uncertain Significance.

NM_001365536.1(SCN9A):c.5291G>C (p.Ser1764Thr)

Genes: SCN1A-AS1 (SCN1A and SCN9A antisense RNA 1; plus strand), SCN9A (sodium voltage-gated channel alpha subunit 9; minus strand). Cytogenetic location: 2q24.3.
Variant type: single nucleotide variant.
Coding change: c.5291G>C on transcript NM_001365536.1 (MANE Select); coding-DNA position 5291, G replaced by C.
Protein change: p.Ser1764Thr; replaces serine 1764 with threonine.
Molecular consequence: missense variant.
Genome position (GRCh38, 1-based): chr2:166,199,348, C>G on the plus strand (G>C on the coding strand, the complement: SCN9A is on the minus strand). VCF-style: chr2-166199348-C-G. GRCh37 (hg19) VCF-style: chr2-167055858-C-G.
Other names: c.5258G>C, p.Ser1753Thr (NM_002977.4); short protein forms S1764T, S1753T.
Identifiers: ClinVar variation 1429974 (VCV001429974.8), dbSNP rs1426684193, ClinGen allele CA349053718.